The following is an entry in ClinVar:

ClinVar aggregate classification (germline): Conflicting classifications of pathogenicity. Review status: criteria provided, conflicting classifications (1 of 4 stars). 2 submissions from 2 submitters: Uncertain significance (1); Benign (1). Last evaluated 2026-01-26.

Conditions:
Ullrich congenital muscular dystrophy 2 (UCMD2). Identifiers: Orphanet 75840, MedGen C4225314, MONDO:0014654, OMIM 616470.
Bethlem myopathy 2 (BTHLM2). Identifiers: Orphanet 536516, Orphanet 610, MedGen C4225313, MONDO:0034022, OMIM 616471.

Allele frequency attached by ClinVar (database versions not stated): gnomAD exomes 0.00004 and 0.00010; TOPMed 0.00005; gnomAD 0.00003; ExAC 0.00006.
gnomAD v4.1: 75 of 1,613,996 alleles (0.0046%); highest among the groups gnomAD compares: Non-Finnish European, 0.00051%; no homozygotes.

Submissions (2):

Labcorp Genetics (formerly Invitae), Labcorp
Classification: Benign for Bethlem myopathy 2; Ullrich congenital muscular dystrophy 2. Last evaluated: 2026-01-26. Review status: criteria provided, single submitter. Criteria: Invitae Variant Classification Sherloc (09022015). Collection method: clinical testing. Allele origin: germline.

Women's Health and Genetics/Laboratory Corporation of America, LabCorp
Classification: Uncertain significance. Last evaluated: 2025-07-01. Review status: criteria provided, single submitter. Criteria: LabCorp Variant Classification Summary - May 2015. Collection method: clinical testing. Allele origin: germline.
Comment: Variant summary: COL12A1 c.5996T>G (p.Leu1999Arg) results in a non-conservative amino acid change in the encoded protein sequence. Algorithms developed to predict the effect of missense changes on protein structure and function are either unavailable or do not agree on the potential impact of this missense change. The variant allele was found at a frequency of 9.6e-05 in 249432 control chromosomes (gnomAD). This frequency is not significantly higher than estimated for a pathogenic variant in COL12A1 causing Ullrich congenital muscular dystrophy 2 (9.6e-05 vs 0.0035), allowing no conclusion about variant significance. To our knowledge, no occurrence of c.5996T>G in individuals affected with Ullrich congenital muscular dystrophy 2 and no experimental evidence demonstrating its impact on protein function have been reported. ClinVar contains an entry for this variant (Variation ID: 1045236). Based on the evidence outlined above, the variant was classified as uncertain significance.

NM_004370.6(COL12A1):c.5996T>G (p.Leu1999Arg)

Gene: COL12A1 (collagen type XII alpha 1 chain; minus strand). Cytogenetic location: 6q13.
Variant type: single nucleotide variant.
Coding change: c.5996T>G on transcript NM_004370.6 (MANE Select); coding-DNA position 5996, T replaced by G.
Protein change: p.Leu1999Arg; replaces leucine 1999 with arginine.
Molecular consequence: missense variant.
Genome position (GRCh38, 1-based): chr6:75,130,923, A>C on the plus strand (T>G on the coding strand, the complement: COL12A1 is on the minus strand). VCF-style: chr6-75130923-A-C. GRCh37 (hg19) VCF-style: chr6-75840639-A-C.
Other names: c.2504T>G, p.Leu835Arg (NM_080645.3); short protein forms L1999R, L835R.
Identifiers: ClinVar variation 1045236 (VCV001045236.9), dbSNP rs774159573, ClinGen allele CA3892933.